The following is an entry in ClinVar:

ClinVar aggregate classification (germline): Benign. Review status: criteria provided, multiple submitters, no conflicts (2 of 4 stars). 6 submissions from 6 submitters: Benign (6). Last evaluated 2025-12-25.

Conditions:
Multiple cutaneous and mucosal venous malformations (VMCM). Also called: TEK-Related Multiple Cutaneous and Mucosal Venous Malformations (VMCM). Identifiers: Orphanet 2451, MedGen C1838437, MONDO:0010842, OMIM 600195.

Allele frequency attached by ClinVar (database versions not stated): 1000 Genomes Project 0.00759; 1000 Genomes Project 30x 0.00765; TOPMed 0.01076; gnomAD 0.01078 and 0.01087; ESP Exome Variant Server 0.01130; gnomAD exomes 0.01326; ExAC 0.01330.
gnomAD v4.1: 25,490 of 1,614,004 alleles (1.6%); highest among the groups gnomAD compares: Middle Eastern, 3.1%; 276 homozygotes.

Submissions (6):

Labcorp Genetics (formerly Invitae), Labcorp
Classification: Benign. Last evaluated: 2025-12-25. Review status: criteria provided, single submitter. Criteria: Invitae Variant Classification Sherloc (09022015). Collection method: clinical testing. Allele origin: germline.

ARUP Laboratories, Molecular Genetics and Genomics, ARUP Laboratories
Classification: Benign. Last evaluated: 2025-03-26. Review status: criteria provided, single submitter. Criteria: ARUP Molecular Germline Variant Investigation Process 2024. Collection method: clinical testing. Allele origin: germline.

Blueprint Genetics
Classification: Benign. Last evaluated: 2024-11-27. Review status: criteria provided, single submitter. Criteria: ACMG Guidelines, 2015. Collection method: clinical testing. Allele origin: germline.

Mayo Clinic Laboratories, Mayo Clinic
Classification: Benign. Last evaluated: 2023-05-10. Review status: criteria provided, single submitter. Criteria: ACMG Guidelines, 2015. Collection method: clinical testing. Allele origin: germline. Observed: 22 variant alleles.
Comment: BS1, BS2, BP4, BP7

Illumina Laboratory Services, Illumina
Classification: Benign for Multiple cutaneous and mucosal venous malformations. Last evaluated: 2018-01-12. Review status: criteria provided, single submitter. Criteria: ICSL Variant Classification Criteria 13 December 2019. Collection method: clinical testing. Allele origin: germline.
Comment: This variant was observed in the ICSL laboratory as part of a predisposition screen in an ostensibly healthy population. It had not been previously curated by ICSL or reported in the Human Gene Mutation Database (HGMD: prior to June 1st, 2018), and was therefore a candidate for classification through an automated scoring system. Utilizing variant allele frequency, disease prevalence and penetrance estimates, and inheritance mode, an automated score was calculated to assess if this variant is too frequent to cause the disease. Based on the score and internal cut-off values, a variant classified as benign is not then subjected to further curation. The score for this variant resulted in a classification of benign for this disease.

Breakthrough Genomics
Classification: Benign. Review status: criteria provided, single submitter. Criteria: ACMG Guidelines, 2015. Collection method: not provided. Allele origin: germline. Inheritance: Autosomal dominant inheritance. Affected: yes.

NM_000459.5(TEK):c.2454G>C (p.Val818=)

Gene: TEK (TEK receptor tyrosine kinase; plus strand). Cytogenetic location: 9p21.2.
Variant type: single nucleotide variant.
Coding change: c.2454G>C on transcript NM_000459.5 (MANE Select); coding-DNA position 2454, G replaced by C.
Protein change: p.Val818=; no amino-acid change (valine 818 retained).
Molecular consequence: synonymous variant.
Genome position (GRCh38, 1-based): chr9:27,206,671, G>C. VCF-style: chr9-27206671-G-C. GRCh37 (hg19) VCF-style: chr9-27206669-G-C.
Other names: p.Val818=; c.2454G>C (NM_000459.4); c.2325G>C, p.Val775= (NM_001290077.2); c.2010G>C, p.Val670= (NM_001290078.2); c.2451G>C, p.Val817= (NM_001375475.1); c.2322G>C, p.Val774= (NM_001375476.1).
Identifiers: ClinVar variation 366441 (VCV000366441.25), dbSNP rs55789591, ClinGen allele CA5016503.